The following is an entry in ClinVar:

ClinVar aggregate classification (germline): Uncertain significance (1 of 4 stars; one submission).

Conditions:
Charcot-Marie-Tooth disease type 4A. Also called: Charcot-Marie-Tooth disease, demyelinating, autosomal recessive, type 4a. Identifiers: Orphanet 99948, MedGen C1859198, MONDO:0008961, OMIM 214400.

gnomAD v4.1: 9 of 1,614,068 alleles (0.00056%); highest among the groups gnomAD compares: Non-Finnish European, 0.00068%; no homozygotes.

Submission:

Labcorp Genetics (formerly Invitae), Labcorp
Classification: Uncertain significance for Charcot-Marie-Tooth disease type 4A. Last evaluated: 2023-01-22. Review status: criteria provided, single submitter. Criteria: Invitae Variant Classification Sherloc (09022015). Collection method: clinical testing. Allele origin: germline.
Comment: In summary, the available evidence is currently insufficient to determine the role of this variant in disease. Therefore, it has been classified as a Variant of Uncertain Significance. Algorithms developed to predict the effect of missense changes on protein structure and function (SIFT, PolyPhen-2, Align-GVGD) all suggest that this variant is likely to be tolerated. ClinVar contains an entry for this variant (Variation ID: 1423313). This missense change has been observed in individual(s) with clinical features of Charcot-Marie-Tooth disease (PMID: 32376792). This variant is not present in population databases (gnomAD no frequency). This sequence change replaces methionine, which is neutral and non-polar, with isoleucine, which is neutral and non-polar, at codon 338 of the GDAP1 protein (p.Met338Ile).

Literature cited by the submitters: PubMed 32376792.

NM_018972.4(GDAP1):c.1014G>C (p.Met338Ile)

Gene: GDAP1 (ganglioside induced differentiation associated protein 1; plus strand). Cytogenetic location: 8q21.11.
Variant type: single nucleotide variant.
Coding change: c.1014G>C on transcript NM_018972.4 (MANE Select); coding-DNA position 1014, G replaced by C.
Protein change: p.Met338Ile; replaces methionine 338 with isoleucine.
Molecular consequence: missense variant. On other transcripts: intron variant (1).
Genome position (GRCh38, 1-based): chr8:74,364,304, G>C. VCF-style: chr8-74364304-G-C. GRCh37 (hg19) VCF-style: chr8-75276539-G-C.
Other names: c.810G>C, p.Met270Ile (NM_001040875.4); c.687G>C, p.Met229Ile (NM_001362929.2, NM_001362932.2); c.840G>C, p.Met280Ile (NM_001362930.2); c.694+1251G>C (NM_001362931.2); short protein forms M338I, M229I, M270I, M280I.
Identifiers: ClinVar variation 1423313 (VCV001423313.6), dbSNP rs759748392, ClinGen allele CA371550738.
Genomic context (GRCh38, chr8:74,364,304, plus strand): 5'-AGTTCTTGGCACGACCCTTGTGGTTGGTTTGCTTGCAGGAGTGGGATATTTTGCTTTTAT[G>C]CTTTTCAGAAAGAGGCTTGGCAGCATGATATTAGCATTTAGACCCAGACCAAATTATTTC-3'
Protein context (NP_061845.2, residues 328-348): LLAGVGYFAF[Met338Ile]LFRKRLGSMI